The following is an entry in ClinVar:

ClinVar aggregate classification (germline): Uncertain significance (1 of 4 stars; one submission).

Conditions:
Nephronophthisis 15 (NPHP15). Identifiers: Orphanet 3156, MedGen C3541853, MONDO:0013917, OMIM 614845.

Allele frequency attached by ClinVar (database versions not stated): ExAC 0.00001; gnomAD exomes 0.00001.
gnomAD v4.1: 3 of 1,612,732 alleles (0.00019%); highest among the groups gnomAD compares: Non-Finnish European, 0.00025%; no homozygotes.

Submission:

Labcorp Genetics (formerly Invitae), Labcorp
Classification: Uncertain significance for Nephronophthisis 15. Last evaluated: 2023-12-11. Review status: criteria provided, single submitter. Criteria: Invitae Variant Classification Sherloc (09022015). Collection method: clinical testing. Allele origin: germline.
Comment: This sequence change falls in intron 4 of the CEP164 gene. It does not directly change the encoded amino acid sequence of the CEP164 protein. The frequency data for this variant in the population databases is considered unreliable, as metrics indicate poor data quality at this position in the gnomAD database. This variant has not been reported in the literature in individuals affected with CEP164-related conditions. ClinVar contains an entry for this variant (Variation ID: 2119316). Algorithms developed to predict the effect of sequence changes on RNA splicing suggest that this variant may disrupt the consensus splice site. In summary, the available evidence is currently insufficient to determine the role of this variant in disease. Therefore, it has been classified as a Variant of Uncertain Significance.

NM_014956.5(CEP164):c.195-10C>A

Gene: CEP164 (centrosomal protein 164; plus strand). Cytogenetic location: 11q23.3.
Variant type: single nucleotide variant.
Coding change: c.195-10C>A on transcript NM_014956.5 (MANE Select); 10 bases into the intron before coding-DNA position 195, C replaced by A.
Molecular consequence: intron variant.
Genome position (GRCh38, 1-based): chr11:117,351,780, C>A. VCF-style: chr11-117351780-C-A. GRCh37 (hg19) VCF-style: chr11-117222496-C-A.
Other names: c.195-10C>A (NM_001271933.2).
Identifiers: ClinVar variation 2119316 (VCV002119316.4), dbSNP rs745742553, ClinGen allele CA6294371.